The following is an entry in ClinVar:

ClinVar aggregate classification (germline): Uncertain significance (1 of 4 stars; one submission).

Conditions:
Fabry disease. Also called: Fabry's disease; ALPHA-GALACTOSIDASE A DEFICIENCY; ANDERSON-FABRY DISEASE; CERAMIDE TRIHEXOSIDASE DEFICIENCY; GLA DEFICIENCY; HEREDITARY DYSTOPIC LIPIDOSIS. Identifiers: Orphanet 324, MedGen C0002986, MONDO:0010526, OMIM 301500, HP:0001071. Disease mechanism: Fabry disease is due to inactivating mutations in the X-linked GLA gene resulting in deficiency of the enzyme Alpha Galactosidase-A., loss of function.

Submission:

Genomenon, Inc
Classification: Uncertain significance for Fabry disease. Last evaluated: 2026-09-08. Review status: criteria provided, single submitter. Criteria: Genomenon Sequence Variant Interpretation Standards - Updated. Collection method: curation. Allele origin: germline. Affected: no.
Comment: GLA p.Asp233Tyr (c.697G>T) is a missense variant that changes the amino acid at codon 233 from Aspartic acid to Tyrosine. This variant has been reported in the published literature (PMID:39468034). It is absent or not present at a significant frequency in gnomAD. In conclusion, we classify GLA p.Asp233Tyr (c.697G>T) as a variant of uncertain significance.

Literature cited by the submitters: PubMed 39468034.

NM_000169.3(GLA):c.697G>T (p.Asp233Tyr)

Genes: GLA (galactosidase alpha; minus strand), RPL36A-HNRNPH2 (RPL36A-HNRNPH2 readthrough; plus strand). Cytogenetic location: Xq22.1.
Variant type: single nucleotide variant.
Coding change: c.697G>T on transcript NM_000169.3 (MANE Select); coding-DNA position 697, G replaced by T.
Protein change: p.Asp233Tyr; replaces aspartic acid 233 with tyrosine.
Molecular consequence: missense variant. On other transcripts: non-coding transcript variant (3), intron variant (2).
Genome position (GRCh38, 1-based): chrX:101,398,889, C>A on the plus strand (G>T on the coding strand, the complement: GLA is on the minus strand). VCF-style: chrX-101398889-C-A. GRCh37 (hg19) VCF-style: chrX-100653877-C-A.
Other names: c.820G>T, p.Asp274Tyr (NM_001406747.1); c.697G>T, p.Asp233Tyr (NM_001406748.1); c.300+3432C>A (NM_001199973.2); c.177+7067C>A (NM_001199974.2); short protein forms D233Y, D274Y.
Identifiers: ClinVar variation 4974912 (VCV004974912.1).